The following is an entry in ClinVar:

NM_003742.4(ABCB11):c.603A>G (p.Arg201=)

Gene: ABCB11 (ATP binding cassette subfamily B member 11; minus strand). Cytogenetic location: 2q31.1.
Variant type: single nucleotide variant.
Coding change: c.603A>G on transcript NM_003742.4 (MANE Select); coding-DNA position 603, A replaced by G.
Protein change: p.Arg201=; no amino-acid change (arginine 201 retained).
Molecular consequence: synonymous variant.
Genome position (GRCh38, 1-based): chr2:168,995,357, T>C on the plus strand (A>G on the coding strand, the complement: ABCB11 is on the minus strand). VCF-style: chr2-168995357-T-C. GRCh37 (hg19) VCF-style: chr2-169851867-T-C.
Other names: c.603A>G (NM_003742.2).
Identifiers: ClinVar variation 2896375 (VCV002896375.5), dbSNP rs1558915941, ClinGen allele CA429917420.

ClinVar aggregate classification (germline): Likely benign. Review status: criteria provided, single submitter (1 of 4 stars). 2 submissions from 2 submitters: Likely benign (1). 1 of the submissions does not count toward it. Last evaluated 2023-09-08.

Conditions:
ABCB11-related disorder. Also called: ABCB11-related condition.

Allele frequency attached by ClinVar (database versions not stated): gnomAD exomes below 0.00001.
gnomAD v4.1: 2 of 1,611,946 alleles (0.00012%); highest among the groups gnomAD compares: East Asian, 0.0022%; no homozygotes.

Submissions (2):

Labcorp Genetics (formerly Invitae), Labcorp
Classification: Likely benign. Last evaluated: 2023-09-08. Review status: criteria provided, single submitter. Criteria: Invitae Variant Classification Sherloc (09022015). Collection method: clinical testing. Allele origin: germline.

PreventionGenetics, part of Exact Sciences
Classification: Likely benign for ABCB11-related condition. Last evaluated: 2023-08-22. Review status: no assertion criteria provided. Collection method: clinical testing. Allele origin: germline. Not counted in ClinVar's aggregate classification.
Comment: This variant is classified as likely benign based on ACMG/AMP sequence variant interpretation guidelines (Richards et al. 2015 PMID: 25741868, with internal and published modifications).